The following is an entry in ClinVar:

NM_002047.4(GARS1):c.646C>T (p.His216Tyr)

Gene: GARS1 (glycyl-tRNA synthetase 1; plus strand). Cytogenetic location: 7p14.3.
Variant type: single nucleotide variant.
Coding change: c.646C>T on transcript NM_002047.4 (MANE Select); coding-DNA position 646, C replaced by T.
Protein change: p.His216Tyr; replaces histidine 216 with tyrosine.
Molecular consequence: missense variant.
Genome position (GRCh38, 1-based): chr7:30,603,110, C>T. VCF-style: chr7-30603110-C-T. GRCh37 (hg19) VCF-style: chr7-30642726-C-T.
Other names: c.484C>T, p.His162Tyr (NM_001316772.1); short protein forms H162Y, H216Y.
Identifiers: ClinVar variation 3715487 (VCV003715487.2).

ClinVar aggregate classification (germline): Uncertain significance (1 of 4 stars; one submission).

Conditions:
Charcot-Marie-Tooth disease type 2. Also called: Charcot-Marie-Tooth type 2. Identifiers: Orphanet 64746, MedGen C0270914, MONDO:0018993.

Submission:

Labcorp Genetics (formerly Invitae), Labcorp
Classification: Uncertain significance for Charcot-Marie-Tooth disease type 2. Last evaluated: 2024-02-22. Review status: criteria provided, single submitter. Criteria: Invitae Variant Classification Sherloc (09022015). Collection method: clinical testing. Allele origin: germline.
Comment: This sequence change replaces histidine, which is basic and polar, with tyrosine, which is neutral and polar, at codon 216 of the GARS protein (p.His216Tyr). This variant is not present in population databases (gnomAD no frequency). This variant has not been reported in the literature in individuals affected with GARS-related conditions. Advanced modeling of protein sequence and biophysical properties (such as structural, functional, and spatial information, amino acid conservation, physicochemical variation, residue mobility, and thermodynamic stability) has been performed at Invitae for this missense variant, however the output from this modeling did not meet the statistical confidence thresholds required to predict the impact of this variant on GARS protein function. In summary, the available evidence is currently insufficient to determine the role of this variant in disease. Therefore, it has been classified as a Variant of Uncertain Significance.